The following is an entry in ClinVar:

ClinVar aggregate classification (germline): Conflicting classifications of pathogenicity. Review status: criteria provided, conflicting classifications (1 of 4 stars). 5 submissions from 5 submitters: Uncertain significance (4); Likely benign (1). Last evaluated 2026-01-02.

Conditions:
Thyroid dyshormonogenesis 6 (TDH6). Also called: HYPOTHYROIDISM, CONGENITAL, DUE TO DYSHORMONOGENESIS, 6; THYROID HORMONOGENESIS, GENETIC DEFECT IN, 6; Genetic transient congenital hypothyroidism. Identifiers: Orphanet 226316, Orphanet 95716, MedGen C1846632, MONDO:0011792, OMIM 607200.

Allele frequency attached by ClinVar (database versions not stated): gnomAD 0.00008 and 0.00009; TOPMed 0.00009; gnomAD exomes 0.00020; ExAC 0.00024.
gnomAD v4.1: 152 of 1,613,920 alleles (0.0094%); highest among the groups gnomAD compares: Non-Finnish European, 0.0019%; no homozygotes.

Submissions (5):

Labcorp Genetics (formerly Invitae), Labcorp
Classification: Likely benign. Last evaluated: 2026-01-02. Review status: criteria provided, single submitter. Criteria: Invitae Variant Classification Sherloc (09022015). Collection method: clinical testing. Allele origin: germline.

Blueprint Genetics
Classification: Uncertain significance. Last evaluated: 2024-04-29. Review status: criteria provided, single submitter. Criteria: ACMG Guidelines, 2015. Collection method: clinical testing. Allele origin: germline.

Women's Health and Genetics/Laboratory Corporation of America, LabCorp
Classification: Uncertain significance. Last evaluated: 2024-02-12. Review status: criteria provided, single submitter. Criteria: LabCorp Variant Classification Summary - May 2015. Collection method: clinical testing. Allele origin: germline.
Comment: Variant summary: DUOX2 c.1189C>A (p.Gln397Lys) results in a conservative amino acid change located in the Dual oxidase, peroxidase domain (IPR034821) of the encoded protein sequence. Four of five in-silico tools predict a damaging effect of the variant on protein function. The variant allele was found at a frequency of 0.0002 in 251492 control chromosomes (gnomAD). To our knowledge, c.1189C>A has not been reported in the literature in individuals affected with Thyroid Dyshormonogenesis 6. The following publication has been ascertained in the context of this evaluation (PMID: 33651715). ClinVar contains an entry for this variant (Variation ID: 887078). Based on the evidence outlined above, the variant was classified as uncertain significance.

CeGaT Center for Human Genetics Tuebingen
Classification: Uncertain significance. Last evaluated: 2024-01-01. Review status: criteria provided, single submitter. Criteria: CeGaT Center For Human Genetics Tuebingen Variant Classification Criteria Version 2. Collection method: clinical testing. Allele origin: germline. Affected: yes. Observed: 1 variant allele.

Illumina Laboratory Services, Illumina
Classification: Uncertain significance for Thyroid dyshormonogenesis 6. Last evaluated: 2017-04-27. Review status: criteria provided, single submitter. Criteria: ICSL Variant Classification Criteria 13 December 2019. Collection method: clinical testing. Allele origin: germline.

Literature cited by the submitters: PubMed 33651715 (cited by Women's Health and Genetics/Laboratory Corporation of America, LabCorp).

NM_001363711.2(DUOX2):c.1189C>A (p.Gln397Lys)

Gene: DUOX2 (dual oxidase 2; minus strand). Cytogenetic location: 15q21.1.
Variant type: single nucleotide variant.
Coding change: c.1189C>A on transcript NM_001363711.2 (MANE Select); coding-DNA position 1189, C replaced by A.
Protein change: p.Gln397Lys; replaces glutamine 397 with lysine.
Molecular consequence: missense variant.
Genome position (GRCh38, 1-based): chr15:45,109,569, G>T on the plus strand (C>A on the coding strand, the complement: DUOX2 is on the minus strand). VCF-style: chr15-45109569-G-T. GRCh37 (hg19) VCF-style: chr15-45401767-G-T.
Other names: c.1189C>A, p.Gln397Lys (NM_014080.5); short protein forms Q397K.
Identifiers: ClinVar variation 887078 (VCV000887078.35), dbSNP rs200989933, ClinGen allele CA7538703.
Genomic context (GRCh38, chr15:45,109,569, plus strand): 5'-TGGCTCTGAGCTCACCCCTCAGATCTTCAACCACTATGTTGTCCTCCAACTCCGAAATCT[G>T]GGAGGCCATTCCCAGCAGCAGCTCATTCACCTCCTGGGTACTGTTCAGATTGGGGTTCTG-3'
Protein context (NP_001350640.1, residues 387-407): VNELLLGMAS[Gln397Lys]ISELEDNIVV